The following is an entry in ClinVar:

NM_002234.4(KCNA5):c.964G>C (p.Asp322His)

Gene: KCNA5 (potassium voltage-gated channel subfamily A member 5; plus strand). Cytogenetic location: 12p13.32.
Variant type: single nucleotide variant.
Coding change: c.964G>C on transcript NM_002234.4 (MANE Select); coding-DNA position 964, G replaced by C.
Protein change: p.Asp322His; replaces aspartic acid 322 with histidine.
Molecular consequence: missense variant.
Genome position (GRCh38, 1-based): chr12:5,045,111, G>C. VCF-style: chr12-5045111-G-C. GRCh37 (hg19) VCF-style: chr12-5154277-G-C.
Other names: short protein forms D322H.
Identifiers: ClinVar variation 469603 (VCV000469603.13), dbSNP rs139614200, ClinGen allele CA6399772.

ClinVar aggregate classification (germline): Uncertain significance. Review status: criteria provided, multiple submitters, no conflicts (2 of 4 stars). 5 submissions from 5 submitters: Uncertain significance (5). Last evaluated 2025-12-08.

Conditions:
Atrial fibrillation, familial, 7 (ATFB7). Identifiers: MedGen C2677106, MONDO:0012828, OMIM 612240.

Allele frequency attached by ClinVar (database versions not stated): TOPMed 0.00006.

Submissions (5):

Labcorp Genetics (formerly Invitae), Labcorp
Classification: Uncertain significance for Atrial fibrillation, familial, 7. Last evaluated: 2025-12-08. Review status: criteria provided, single submitter. Criteria: Invitae Variant Classification Sherloc (09022015). Collection method: clinical testing. Allele origin: germline.
Comment: This sequence change replaces aspartic acid, which is acidic and polar, with histidine, which is basic and polar, at codon 322 of the KCNA5 protein (p.Asp322His). This variant is present in population databases (rs139614200, gnomAD 0.08%), and has an allele count higher than expected for a pathogenic variant. This missense change has been observed in individual(s) with atrial fibrillation or pulmonary arterial hypertension (PMID: 23264583, 29034891, 31727138). ClinVar contains an entry for this variant (Variation ID: 469603). Invitae Evidence Modeling of protein sequence and biophysical properties (such as structural, functional, and spatial information, amino acid conservation, physicochemical variation, residue mobility, and thermodynamic stability) indicates that this missense variant is not expected to disrupt KCNA5 protein function with a negative predictive value of 80%. Experimental studies have shown that this missense change affects KCNA5 function (PMID: 23264583). In summary, the available evidence is currently insufficient to determine the role of this variant in disease. Therefore, it has been classified as a Variant of Uncertain Significance.

Genomic Medicine Center of Excellence, King Faisal Specialist Hospital and Research Centre
Classification: Uncertain significance for Atrial fibrillation, familial, 7. Last evaluated: 2024-09-22. Review status: criteria provided, single submitter. Criteria: ACMG Guidelines, 2015. Collection method: clinical testing. Allele origin: germline.

Blueprint Genetics
Classification: Uncertain significance. Last evaluated: 2024-03-28. Review status: criteria provided, single submitter. Criteria: ACMG Guidelines, 2015. Collection method: clinical testing. Allele origin: germline.

GeneDx
Classification: Uncertain significance. Last evaluated: 2022-10-11. Review status: criteria provided, single submitter. Criteria: GeneDx Variant Classification Process June 2021. Collection method: clinical testing. Allele origin: germline. Affected: yes.
Comment: Published functional studies suggest a gain of function effect (Christophersen et al., 2013); In silico analysis supports that this missense variant has a deleterious effect on protein structure/function; This variant is associated with the following publications: (PMID: 28622331, 29034891, 31727138, 34426522, 23264583)

Fulgent Genetics
Classification: Uncertain significance for Atrial fibrillation, familial, 7. Last evaluated: 2021-08-02. Review status: criteria provided, single submitter. Criteria: ACMG Guidelines, 2015. Collection method: clinical testing. Allele origin: unknown.

Literature cited by the submitters: PubMed 23264583 (cited by Labcorp Genetics (formerly Invitae), Labcorp); PubMed 29034891 (cited by Labcorp Genetics (formerly Invitae), Labcorp); PubMed 31727138 (cited by Labcorp Genetics (formerly Invitae), Labcorp).